The following is an entry in ClinVar:

NM_001754.5(RUNX1):c.547C>G (p.Pro183Ala)

Genes: RUNX1 (RUNX family transcription factor 1; minus strand), RUNX1-AS1 (RUNX1 antisense RNA 1; plus strand). Cytogenetic location: 21q22.12.
Variant type: single nucleotide variant.
Coding change: c.547C>G on transcript NM_001754.5 (MANE Select); coding-DNA position 547, C replaced by G.
Protein change: p.Pro183Ala; replaces proline 183 with alanine.
Molecular consequence: missense variant.
Genome position (GRCh38, 1-based): chr21:34,859,540, G>C on the plus strand (C>G on the coding strand, the complement: RUNX1 is on the minus strand). VCF-style: chr21-34859540-G-C. GRCh37 (hg19) VCF-style: chr21-36231837-G-C.
Other names: c.466C>G, p.Pro156Ala (NM_001001890.3, NM_001122607.2); short protein forms P156A, P183A.
Identifiers: ClinVar variation 4629698 (VCV004629698.1).

ClinVar aggregate classification (germline): Uncertain significance (1 of 4 stars; one submission).

Conditions:
Inborn genetic diseases. Identifiers: MedGen C0950123, MeSH D030342.

Submission:

Ambry Genetics
Classification: Uncertain significance for Inborn genetic diseases. Last evaluated: 2025-10-08. Review status: criteria provided, single submitter. Criteria: Ambry Variant Classification Scheme 2023. Collection method: clinical testing. Allele origin: germline.
Comment: The p.P183A variant (also known as c.547C>G), located in coding exon 5 of the RUNX1 gene, results from a C to G substitution at nucleotide position 547. The proline at codon 183 is replaced by alanine, an amino acid with highly similar properties. This amino acid position is conserved. In addition, this alteration is predicted to be deleterious by in silico analysis. Based on the available evidence, the clinical significance of this variant remains unclear.